The following is an entry in ClinVar:

NM_000284.4(PDHA1):c.117+19T>A

Gene: PDHA1 (pyruvate dehydrogenase E1 subunit alpha 1; plus strand). Cytogenetic location: Xp22.12.
Variant type: single nucleotide variant.
Coding change: c.117+19T>A on transcript NM_000284.4 (MANE Select); 19 bases into the intron after coding-DNA position 117, T replaced by A.
Molecular consequence: intron variant.
Genome position (GRCh38, 1-based): chrX:19,349,390, T>A. VCF-style: chrX-19349390-T-A. GRCh37 (hg19) VCF-style: chrX-19367508-T-A.
Other names: c.231+19T>A (NM_001173454.2); c.117+19T>A (NM_001173455.2, NM_001173456.2).
Identifiers: ClinVar variation 381855 (VCV000381855.5), dbSNP rs373859720, ClinGen allele CA10362989.

ClinVar aggregate classification (germline): Benign/Likely benign. Review status: criteria provided, multiple submitters, no conflicts (2 of 4 stars). 2 submissions from 2 submitters: Benign (1); Likely benign (1). Last evaluated 2025-12-29.

Conditions:
Pyruvate dehydrogenase E1-alpha deficiency (PDHAD). Also called: ATAXIA, INTERMITTENT, WITH PYRUVATE DEHYDROGENASE DEFICIENCY; ATAXIA WITH LACTIC ACIDOSIS I; ATAXIA, INTERMITTENT, WITH ABNORMAL PYRUVATE METABOLISM; Ataxia, intermittent, with pyruvate dehydrogenase, or decarboxylase, deficiency. Identifiers: Orphanet 79243, MedGen C1839413, MONDO:0010717, OMIM 312170.

Allele frequency attached by ClinVar (database versions not stated): gnomAD exomes 0.00003 and 0.00008; ExAC 0.00008; ESP Exome Variant Server 0.00009; TOPMed 0.00014; gnomAD 0.00021 and 0.00026.
gnomAD v4.1: 46 of 1,020,917 alleles (0.0045%); highest among the groups gnomAD compares: African/African-American, 0.074%; no homozygotes.

Submissions (2):

Labcorp Genetics (formerly Invitae), Labcorp
Classification: Benign for Pyruvate dehydrogenase E1-alpha deficiency. Last evaluated: 2025-12-29. Review status: criteria provided, single submitter. Criteria: Invitae Variant Classification Sherloc (09022015). Collection method: clinical testing. Allele origin: germline.

GeneDx
Classification: Likely benign. Last evaluated: 2016-02-11. Review status: criteria provided, single submitter. Criteria: GeneDx Variant Classification (06012015). Collection method: clinical testing. Allele origin: germline. Affected: yes.
Comment: This variant is considered likely benign or benign based on one or more of the following criteria: it is a conservative change, it occurs at a poorly conserved position in the protein, it is predicted to be benign by multiple in silico algorithms, and/or has population frequency not consistent with disease.